The following is an entry in ClinVar:

ClinVar aggregate classification (germline): Uncertain significance (1 of 4 stars; one submission).

Submission:

Labcorp Genetics (formerly Invitae), Labcorp
Classification: Uncertain significance. Last evaluated: 2022-04-07. Review status: criteria provided, single submitter. Criteria: Invitae Variant Classification Sherloc (09022015). Collection method: clinical testing. Allele origin: germline.
Comment: This sequence change replaces threonine, which is neutral and polar, with isoleucine, which is neutral and non-polar, at codon 319 of the AHDC1 protein (p.Thr319Ile). In summary, the available evidence is currently insufficient to determine the role of this variant in disease. Therefore, it has been classified as a Variant of Uncertain Significance. Algorithms developed to predict the effect of missense changes on protein structure and function are either unavailable or do not agree on the potential impact of this missense change (SIFT: "Deleterious"; PolyPhen-2: "Benign"; Align-GVGD: "Class C0"). This variant has not been reported in the literature in individuals affected with AHDC1-related conditions. This variant is not present in population databases (gnomAD no frequency).

NM_001371928.1(AHDC1):c.956C>T (p.Thr319Ile)

Gene: AHDC1 (AT-hook DNA binding motif containing 1; minus strand). Cytogenetic location: 1p36.11.
Variant type: single nucleotide variant.
Coding change: c.956C>T on transcript NM_001371928.1 (MANE Select); coding-DNA position 956, C replaced by T.
Protein change: p.Thr319Ile; replaces threonine 319 with isoleucine.
Molecular consequence: missense variant.
Genome position (GRCh38, 1-based): chr1:27,551,160, G>A on the plus strand (C>T on the coding strand, the complement: AHDC1 is on the minus strand). VCF-style: chr1-27551160-G-A. GRCh37 (hg19) VCF-style: chr1-27877671-G-A.
Other names: c.956C>T, p.Thr319Ile (NM_001029882.3); short protein forms T319I.
Identifiers: ClinVar variation 2122535 (VCV002122535.4), dbSNP rs2522054615, ClinGen allele CA339235669.